The following is an entry in ClinVar:

NM_015102.5(NPHP4):c.2929A>G (p.Thr977Ala)

Gene: NPHP4 (nephrocystin 4; minus strand). Cytogenetic location: 1p36.31.
Variant type: single nucleotide variant.
Coding change: c.2929A>G on transcript NM_015102.5 (MANE Select); coding-DNA position 2929, A replaced by G.
Protein change: p.Thr977Ala; replaces threonine 977 with alanine.
Molecular consequence: missense variant. On other transcripts: non-coding transcript variant (1).
Genome position (GRCh38, 1-based): chr1:5,874,989, T>C on the plus strand (A>G on the coding strand, the complement: NPHP4 is on the minus strand). VCF-style: chr1-5874989-T-C. GRCh37 (hg19) VCF-style: chr1-5935049-T-C.
Other names: c.1390A>G, p.Thr464Ala (NM_001291593.2); c.1393A>G, p.Thr465Ala (NM_001291594.2); short protein forms T465A, T464A, T977A.
Identifiers: ClinVar variation 1902499 (VCV001902499.5), dbSNP rs750545519, ClinGen allele CA553872.

ClinVar aggregate classification (germline): Uncertain significance (1 of 4 stars; one submission).

Conditions:
Nephronophthisis. Also called: Juvenile Nephronophthisis. Identifiers: Orphanet 655, MedGen C0687120, MONDO:0019005, HP:0000090.

Allele frequency attached by ClinVar (database versions not stated): gnomAD exomes below 0.00001; ExAC 0.00001; TOPMed 0.00002; gnomAD 0.00003.
gnomAD v4.1: 5 of 1,612,512 alleles (0.00031%); highest among the groups gnomAD compares: African/African-American, 0.0053%; no homozygotes.

Submission:

Labcorp Genetics (formerly Invitae), Labcorp
Classification: Uncertain significance for Nephronophthisis. Last evaluated: 2022-06-15. Review status: criteria provided, single submitter. Criteria: Invitae Variant Classification Sherloc (09022015). Collection method: clinical testing. Allele origin: germline.
Comment: In summary, the available evidence is currently insufficient to determine the role of this variant in disease. Therefore, it has been classified as a Variant of Uncertain Significance. Algorithms developed to predict the effect of missense changes on protein structure and function (SIFT, PolyPhen-2, Align-GVGD) all suggest that this variant is likely to be tolerated. This variant has not been reported in the literature in individuals affected with NPHP4-related conditions. The frequency data for this variant in the population databases is considered unreliable, as metrics indicate poor data quality at this position in the gnomAD database. This sequence change replaces threonine, which is neutral and polar, with alanine, which is neutral and non-polar, at codon 977 of the NPHP4 protein (p.Thr977Ala).